The following is an entry in ClinVar:

NM_002047.4(GARS1):c.-36C>A

Gene: GARS1 (glycyl-tRNA synthetase 1; plus strand). Cytogenetic location: 7p14.3.
Variant type: single nucleotide variant.
Coding change: c.-36C>A on transcript NM_002047.4 (MANE Select); 36 bases upstream of the start codon, C replaced by A.
Molecular consequence: 5 prime UTR variant.
Genome position (GRCh38, 1-based): chr7:30,594,886, C>A. VCF-style: chr7-30594886-C-A. GRCh37 (hg19) VCF-style: chr7-30634502-C-A.
Other names: c.-36C>A (LRG_243t1); c.-198C>A (NM_001316772.1).
Identifiers: ClinVar variation 360000 (VCV000360000.5), dbSNP rs531483802, ClinGen allele CA4205545.

ClinVar aggregate classification (germline): Benign/Likely benign. Review status: criteria provided, single submitter (1 of 4 stars). 3 submissions from 1 submitter: Benign (2); Likely benign (1). Last evaluated 2018-01-12.

Conditions:
Distal spinal muscular atrophy. Also called: Distal hereditary motor neuropathy; Distal hereditary motor neuronopathy. Identifiers: Orphanet 53739, MedGen C0393541, MONDO:0018894.
Charcot-Marie-Tooth disease type 2D (CMT2D). Also called: Charcot-Marie-Tooth Neuropathy Type 2D; GARS1 Adolescent- or Early Adult-Onset Hereditary Motor/Sensory Neuropathy (GARS1-HMSN); CHARCOT-MARIE-TOOTH DISEASE, AXONAL, TYPE 2D; CHARCOT-MARIE-TOOTH DISEASE, NEURONAL, TYPE 2D. Identifiers: Orphanet 99938, MedGen C1832274, MONDO:0011091, OMIM 601472.
Neuronopathy, distal hereditary motor, type 5A (HMND5). Also called: Distal Spinal Muscular Atrophy V; Distal Spinal Muscular Atrophy V (dSMA-V); NEURONOPATHY, DISTAL HEREDITARY MOTOR, AUTOSOMAL DOMINANT 5; DHMN VA. Identifiers: Orphanet 139536, MedGen CN031873, MONDO:0015353, OMIM 600794.

Allele frequency attached by ClinVar (database versions not stated): 1000 Genomes Project 30x 0.00016; 1000 Genomes Project 0.00020; ExAC 0.00054.
gnomAD v4.1: 55 of 1,510,288 alleles (0.0036%); highest among the groups gnomAD compares: South Asian, 0.06%; no homozygotes.

Submissions (3):

Illumina Laboratory Services, Illumina
Classification: Likely benign for Charcot-Marie-Tooth disease type 2D. Last evaluated: 2018-01-12. Review status: criteria provided, single submitter. Criteria: ICSL Variant Classification Criteria 13 December 2019. Collection method: clinical testing. Allele origin: germline.
Comment: This variant was observed in the ICSL laboratory as part of a predisposition screen in an ostensibly healthy population. It had not been previously curated by ICSL or reported in the Human Gene Mutation Database (HGMD: prior to June 1st, 2018), and was therefore a candidate for classification through an automated scoring system. Utilizing variant allele frequency, disease prevalence and penetrance estimates, and inheritance mode, an automated score was calculated to assess if this variant is too frequent to cause the disease. Based on the score and internal cut-off values, a variant classified as likely benign is not then subjected to further curation. The score for this variant resulted in a classification of likely benign for this disease.

Illumina Laboratory Services, Illumina
Classification: Benign for Distal hereditary motor neuronopathy type 5. Last evaluated: 2018-01-12. Review status: criteria provided, single submitter. Criteria: ICSL Variant Classification Criteria 13 December 2019. Collection method: clinical testing. Allele origin: germline.
Comment: This variant was observed in the ICSL laboratory as part of a predisposition screen in an ostensibly healthy population. It had not been previously curated by ICSL or reported in the Human Gene Mutation Database (HGMD: prior to June 1st, 2018), and was therefore a candidate for classification through an automated scoring system. Utilizing variant allele frequency, disease prevalence and penetrance estimates, and inheritance mode, an automated score was calculated to assess if this variant is too frequent to cause the disease. Based on the score and internal cut-off values, a variant classified as benign is not then subjected to further curation. The score for this variant resulted in a classification of benign for this disease.

Illumina Laboratory Services, Illumina
Classification: Benign for Distal Spinal Muscular Atrophy. Last evaluated: 2018-01-12. Review status: criteria provided, single submitter. Criteria: ICSL Variant Classification Criteria 13 December 2019. Collection method: clinical testing. Allele origin: germline.
Comment: the same text as in the submission from Illumina Laboratory Services, Illumina above.